The following is an entry in ClinVar:

ClinVar aggregate classification (germline): Likely benign (1 of 4 stars; one submission).

Conditions:
RPGRIP1L-related disorder. Also called: RPGRIP1L-related disorders; RPGRIP1L-related condition. Identifiers: MedGen CN239416.

gnomAD v4.1: 1 of 1,613,398 alleles (0.000062%); highest among the groups gnomAD compares: Non-Finnish European, 0.000085%; no homozygotes.

Submission:

PreventionGenetics, part of Exact Sciences
Classification: Likely benign for RPGRIP1L-related condition. Last evaluated: 2025-03-23. Review status: criteria provided, single submitter. Criteria: ACMG Guidelines, 2015. Collection method: clinical testing. Allele origin: germline.
Comment: This variant is classified as likely benign based on ACMG/AMP sequence variant interpretation guidelines (Richards et al. 2015 PMID: 25741868, with internal and published modifications).

NM_015272.5(RPGRIP1L):c.2305-7T>C

Gene: RPGRIP1L (RPGRIP1 like; minus strand). Cytogenetic location: 16q12.2.
Variant type: single nucleotide variant.
Coding change: c.2305-7T>C on transcript NM_015272.5 (MANE Select); 7 bases into the intron before coding-DNA position 2305, T replaced by C.
Molecular consequence: intron variant.
Genome position (GRCh38, 1-based): chr16:53,646,010, A>G on the plus strand (T>C on the coding strand, the complement: RPGRIP1L is on the minus strand). VCF-style: chr16-53646010-A-G. GRCh37 (hg19) VCF-style: chr16-53679922-A-G.
Other names: c.2305-7T>C (NM_001127897.4, NM_001330538.2, NM_001308334.3).
Identifiers: ClinVar variation 4997390 (VCV004997390.1).
Genomic context (GRCh38, chr16:53,646,010, plus strand): 5'-ATCTGTGGAATCTGTAGAACTGAGTTGAGCAGTTTTGGGTGCTTGCTGACTTAACTGGAA[A>G]AACATACATATTTATATTAAGGAAATAACACAGTTAAAAGATGAACAGCAGCTGCCAAGC-3'